The following is an entry in ClinVar:

ClinVar aggregate classification (germline): Likely benign. Review status: criteria provided, multiple submitters, no conflicts (2 of 4 stars). 3 submissions from 3 submitters: Likely benign (3). Last evaluated 2025-02-25.

Conditions:
FAM161A-related disorder. Also called: FAM161A-related condition.

Allele frequency attached by ClinVar (database versions not stated): gnomAD exomes below 0.00001 and 0.00001; ExAC 0.00001; gnomAD 0.00001; TOPMed 0.00001.
gnomAD v4.1: 16 of 1,612,146 alleles (0.00099%); highest among the groups gnomAD compares: Middle Eastern, 0.033%; no homozygotes.

Submissions (3):

Labcorp Genetics (formerly Invitae), Labcorp
Classification: Likely benign. Last evaluated: 2025-02-25. Review status: criteria provided, single submitter. Criteria: Invitae Variant Classification Sherloc (09022015). Collection method: clinical testing. Allele origin: germline.

PreventionGenetics, part of Exact Sciences
Classification: Likely benign for FAM161A-related condition. Last evaluated: 2025-01-21. Review status: criteria provided, single submitter. Criteria: ACMG Guidelines, 2015. Collection method: clinical testing. Allele origin: germline.
Comment: This variant is classified as likely benign based on ACMG/AMP sequence variant interpretation guidelines (Richards et al. 2015 PMID: 25741868, with internal and published modifications).

Breakthrough Genomics
Classification: Likely benign. Review status: criteria provided, single submitter. Criteria: ACMG Guidelines, 2015. Collection method: not provided. Allele origin: germline. Inheritance: Unknown mechanism. Affected: yes.

NM_001201543.2(FAM161A):c.28C>T (p.Leu10=)

Gene: FAM161A (FAM161 centrosomal protein A; minus strand). Cytogenetic location: 2p15.
Variant type: single nucleotide variant.
Coding change: c.28C>T on transcript NM_001201543.2 (MANE Select); coding-DNA position 28, C replaced by T.
Protein change: p.Leu10=; no amino-acid change (leucine 10 retained).
Molecular consequence: synonymous variant. On other transcripts: non-coding transcript variant (1).
Genome position (GRCh38, 1-based): chr2:61,854,014, G>A on the plus strand (C>T on the coding strand, the complement: FAM161A is on the minus strand). VCF-style: chr2-61854014-G-A. GRCh37 (hg19) VCF-style: chr2-62081149-G-A.
Other names: c.28C>T, p.Leu10= (NM_032180.3); c.28C>T (NM_001201543.1).
Identifiers: ClinVar variation 1122089 (VCV001122089.11), dbSNP rs779130938, ClinGen allele CA1679459.
Genomic context (GRCh38, chr2:61,854,014, plus strand): 5'-ACTGGGCGACCCGCGCTCCAGTGATGGGATTTACCGGGGTCTGGAGACTGGAGGCCACCA[G>A]CTTCGCCACTCGGTGGGAGGTGGCCATCGCCCCGCCTCCGAGGCCTGAGCGCCTGCGCTG-3'
Protein context (NP_001188472.1, residues 1-20): MATSHRVAK[Leu10=]VASSLQTPVN